The following is an entry in ClinVar:

NM_001369.3(DNAH5):c.9626A>G (p.Lys3209Arg)

Gene: DNAH5 (dynein axonemal heavy chain 5; minus strand). Cytogenetic location: 5p15.2.
Variant type: single nucleotide variant.
Coding change: c.9626A>G on transcript NM_001369.3 (MANE Select); coding-DNA position 9626, A replaced by G.
Protein change: p.Lys3209Arg; replaces lysine 3209 with arginine.
Molecular consequence: missense variant.
Genome position (GRCh38, 1-based): chr5:13,769,595, T>C on the plus strand (A>G on the coding strand, the complement: DNAH5 is on the minus strand). VCF-style: chr5-13769595-T-C. GRCh37 (hg19) VCF-style: chr5-13769704-T-C.
Other names: p.Lys3209Arg; short protein forms K3209R.
Identifiers: ClinVar variation 966952 (VCV000966952.12), dbSNP rs201473584, ClinGen allele CA3202477.

ClinVar aggregate classification (germline): Conflicting classifications of pathogenicity. Review status: criteria provided, conflicting classifications (1 of 4 stars). 4 submissions from 4 submitters: Uncertain significance (2); Likely benign (1). 1 of the submissions does not count toward it. Last evaluated 2025-07-21.

Conditions:
Primary ciliary dyskinesia. Also called: Ciliary dyskinesia. Identifiers: Orphanet 244, MedGen C0008780, MONDO:0016575, HP:0012265.

Allele frequency attached by ClinVar (database versions not stated): gnomAD exomes 0.00001 and 0.00004; ExAC 0.00005; gnomAD 0.00010; TOPMed 0.00012; ESP Exome Variant Server 0.00015; 1000 Genomes Project 0.00040; 1000 Genomes Project 30x 0.00047.
gnomAD v4.1: 33 of 1,613,986 alleles (0.002%); highest among the groups gnomAD compares: African/African-American, 0.032%; no homozygotes.

Submissions (4):

Labcorp Genetics (formerly Invitae), Labcorp
Classification: Likely benign for Primary ciliary dyskinesia. Last evaluated: 2025-07-21. Review status: criteria provided, single submitter. Criteria: Invitae Variant Classification Sherloc (09022015). Collection method: clinical testing. Allele origin: germline.

Mayo Clinic Laboratories, Mayo Clinic
Classification: Uncertain significance. Last evaluated: 2024-06-04. Review status: criteria provided, single submitter. Criteria: ACMG Guidelines, 2015. Collection method: clinical testing. Allele origin: germline. Observed: 1 variant allele.
Comment: PP3

Ambry Genetics
Classification: Uncertain significance for Primary ciliary dyskinesia. Last evaluated: 2024-03-01. Review status: criteria provided, single submitter. Criteria: Ambry Variant Classification Scheme 2023. Collection method: clinical testing. Allele origin: germline.
Comment: The p.K3209R variant (also known as c.9626A>G), located in coding exon 57 of the DNAH5 gene, results from an A to G substitution at nucleotide position 9626. The lysine at codon 3209 is replaced by arginine, an amino acid with highly similar properties. This alteration was identified in a cohort of individuals undergoing whole exome sequencing for diverse clinical indications (Li AH et al. Genome Med, 2017 Oct;9:95). This amino acid position is highly conserved in available vertebrate species. In addition, the in silico prediction for this alteration is inconclusive. Based on the available evidence, the clinical significance of this alteration remains unclear.

Natera, Inc.
Classification: Uncertain significance for Primary ciliary dyskinesia. Last evaluated: 2020-03-10. Review status: no assertion criteria provided. Collection method: clinical testing. Allele origin: germline. Not counted in ClinVar's aggregate classification.

Literature cited by the submitters: PubMed 29089047 (cited by Ambry Genetics).